The following is an entry in ClinVar:

ClinVar aggregate classification (germline): Likely pathogenic (1 of 4 stars; one submission).

Conditions:
Cardiovascular phenotype. Identifiers: MedGen CN230736.

Submission:

Molecular Diagnostic Laboratory for Inherited Cardiovascular Disease, Montreal Heart Institute
Classification: Likely pathogenic for Cardiovascular phenotype. Last evaluated: 2025-01-10. Review status: criteria provided, single submitter. Criteria: ACMG Guidelines, 2015. Collection method: clinical testing. Allele origin: germline. Affected: yes.
Comment: PVS1_strong, PM2

NM_001267550.2(TTN):c.44684del (p.Ser14895fs)

Gene: TTN (titin; minus strand). Cytogenetic location: 2q31.2.
Variant type: Deletion.
Coding change: c.44684del on transcript NM_001267550.2 (MANE Select); coding-DNA position 44684, one base deleted (G; older notation c.44684delG).
Protein change: p.Ser14895fs; shifts the reading frame from serine 14895.
Molecular consequence: frameshift variant.
Genome position (GRCh38, 1-based): chr2:178,624,596, C deleted on the plus strand (G on the coding strand, the reverse complement: TTN is on the minus strand). VCF-style (leftmost placement, unchanged base first): chr2-178624595-GC-G. GRCh37 (hg19) VCF-style: chr2-179489322-GC-G.
Other names: c.39761del, p.Ser13254fs (NM_001256850.1); c.17489del, p.Ser5830fs (NM_003319.4); c.36980del, p.Ser12327fs (NM_133378.4); c.17864del, p.Ser5955fs (NM_133432.3); c.18065del, p.Ser6022fs (NM_133437.4); short protein forms S12327fs, S13254fs, S14895fs, S5830fs, S5955fs, S6022fs.
Identifiers: ClinVar variation 3894836 (VCV003894836.1), dbSNP rs930220089.